The following is an entry in ClinVar:

ClinVar aggregate classification (germline): Uncertain significance (1 of 4 stars; one submission).

Conditions:
Autosomal recessive distal spinal muscular atrophy 1. Also called: NEURONOPATHY, DISTAL HEREDITARY MOTOR, HARDING TYPE VI; NEUROPATHY, DISTAL HEREDITARY MOTOR, AUTOSOMAL RECESSIVE 1; SEVERE INFANTILE AXONAL NEUROPATHY WITH RESPIRATORY FAILURE; SPINAL MUSCULAR ATROPHY, DIAPHRAGMATIC; HMN VI; NEURONOPATHY, SEVERE INFANTILE AXONAL, WITH RESPIRATORY FAILURE. Identifiers: Orphanet 98920, MedGen C1858517, MONDO:0011436, OMIM 604320.
Charcot-Marie-Tooth disease axonal type 2S. Also called: CHARCOT-MARIE-TOOTH DISEASE, AXONAL, AUTOSOMAL RECESSIVE, TYPE 2S; CHARCOT-MARIE-TOOTH NEUROPATHY, TYPE 2S. Identifiers: Orphanet 443073, MedGen C4015349, MONDO:0014511, OMIM 616155.

Allele frequency attached by ClinVar (database versions not stated): TOPMed 0.00001; ExAC 0.00003; gnomAD 0.00003; gnomAD exomes 0.00003.
gnomAD v4.1: 104 of 1,614,008 alleles (0.0064%); highest among the groups gnomAD compares: Non-Finnish European, 0.0083%; no homozygotes.

Submission:

Labcorp Genetics (formerly Invitae), Labcorp
Classification: Uncertain significance for Autosomal recessive distal spinal muscular atrophy 1; Charcot-Marie-Tooth disease axonal type 2S. Last evaluated: 2022-07-22. Review status: criteria provided, single submitter. Criteria: Invitae Variant Classification Sherloc (09022015). Collection method: clinical testing. Allele origin: germline.
Comment: This sequence change replaces valine, which is neutral and non-polar, with leucine, which is neutral and non-polar, at codon 575 of the IGHMBP2 protein (p.Val575Leu). This variant is present in population databases (rs748775914, gnomAD 0.005%). This variant has not been reported in the literature in individuals affected with IGHMBP2-related conditions. ClinVar contains an entry for this variant (Variation ID: 643983). Advanced modeling of protein sequence and biophysical properties (such as structural, functional, and spatial information, amino acid conservation, physicochemical variation, residue mobility, and thermodynamic stability) performed at Invitae indicates that this missense variant is expected to disrupt IGHMBP2 protein function. In summary, the available evidence is currently insufficient to determine the role of this variant in disease. Therefore, it has been classified as a Variant of Uncertain Significance.

NM_002180.3(IGHMBP2):c.1723G>C (p.Val575Leu)

Gene: IGHMBP2 (immunoglobulin mu DNA binding protein 2; plus strand). Cytogenetic location: 11q13.3.
Variant type: single nucleotide variant.
Coding change: c.1723G>C on transcript NM_002180.3 (MANE Select); coding-DNA position 1723, G replaced by C.
Protein change: p.Val575Leu; replaces valine 575 with leucine.
Molecular consequence: missense variant.
Genome position (GRCh38, 1-based): chr11:68,935,389, G>C. VCF-style: chr11-68935389-G-C. GRCh37 (hg19) VCF-style: chr11-68702857-G-C.
Other names: short protein forms V575L.
Identifiers: ClinVar variation 643983 (VCV000643983.6), dbSNP rs748775914, ClinGen allele CA6153747.